The following is an entry in ClinVar:

ClinVar aggregate classification (germline): Pathogenic. Review status: reviewed by expert panel (3 of 4 stars). 2 submissions from 2 submitters: Pathogenic (1). 1 of the submissions does not count toward it. Last evaluated 2016-10-18.

Conditions:
Breast-ovarian cancer, familial, susceptibility to, 2 (BROVCA2). Also called: BRCA2 Hereditary Breast and Ovarian Cancer. Identifiers: Orphanet 145, MedGen C2675520, MONDO:0012933, OMIM 612555. Disease mechanism: loss of function.

Submissions (2):

Evidence-based Network for the Interpretation of Germline Mutant Alleles (ENIGMA)
Classification: Pathogenic for Breast-ovarian cancer, familial, susceptibility to, 2. Last evaluated: 2016-10-18. Review status: reviewed by expert panel. Criteria: ENIGMA BRCA1/2 Classification Criteria (2015). Collection method: curation. Allele origin: germline.
Comment: Variant allele predicted to encode a truncated non-functional protein.

Consortium of Investigators of Modifiers of BRCA1/2 (CIMBA), c/o University of Cambridge
Classification: Pathogenic for Breast-ovarian cancer, familial, susceptibility to, 2. Last evaluated: 2015-10-02. Review status: criteria provided, single submitter. Criteria: CIMBA Mutation Classification guidelines May 2016. Collection method: clinical testing. Allele origin: germline. Not counted in ClinVar's aggregate classification.

NM_000059.4(BRCA2):c.9440dup (p.Ala3148fs)

Gene: BRCA2 (BRCA2 DNA repair associated; plus strand). Cytogenetic location: 13q13.1.
Variant type: Duplication.
Coding change: c.9440dup on transcript NM_000059.4 (MANE Select); coding-DNA position 9440, one base duplicated (C; older notation c.9440dupC).
Protein change: p.Ala3148fs; shifts the reading frame from alanine 3148.
Molecular consequence: frameshift variant.
Genome position (GRCh38, 1-based): chr13:32,394,872, C duplicated. VCF-style (leftmost placement, unchanged base first): chr13-32394871-T-TC. GRCh37 (hg19) VCF-style: chr13-32969008-T-TC.
Other names: 9668_9669insC; short protein forms A3148fs.
Identifiers: ClinVar variation 267162 (VCV000267162.7), dbSNP rs886040841, ClinGen allele CA10589568.